The following is an entry in ClinVar:

ClinVar aggregate classification (germline): Benign/Likely benign. Review status: criteria provided, multiple submitters, no conflicts (2 of 4 stars). 8 submissions from 8 submitters: Benign (6); Likely benign (2). Last evaluated 2026-09-01.

Conditions:
Renal carnitine transport defect (CDSP). Also called: Systemic primary carnitine deficiency; CARNITINE DEFICIENCY, SYSTEMIC, DUE TO DEFECT IN RENAL REABSORPTION OF CARNITINE; CARNITINE TRANSPORTER, PLASMA-MEMBRANE, DEFICIENCY OF; CARNITINE UPTAKE DEFECT; Primary carnitine deficiency; Carnitine transporter deficiency. Identifiers: Orphanet 158, MedGen C0342788, MONDO:0008919, OMIM 212140.

Allele frequency attached by ClinVar (database versions not stated): gnomAD exomes 0.00037 and 0.00099; ExAC 0.00127; 1000 Genomes Project 30x 0.00312; 1000 Genomes Project 0.00339; gnomAD 0.00340 and 0.00365; TOPMed 0.00413; ESP Exome Variant Server 0.00461.
gnomAD v4.1: 1,086 of 1,613,996 alleles (0.067%); highest among the groups gnomAD compares: African/African-American, 1.2%; 6 homozygotes.

Submissions (8):

CeGaT Center for Human Genetics Tuebingen
Classification: Benign. Last evaluated: 2026-09-01. Review status: criteria provided, single submitter. Criteria: CeGaT Center For Human Genetics Tuebingen Variant Classification Criteria Version 2. Collection method: clinical testing. Allele origin: germline. Affected: yes. Observed: 3 variant alleles.
Comment: SLC22A5: BP4, BS1, BS2

Labcorp Genetics (formerly Invitae), Labcorp
Classification: Benign for Renal carnitine transport defect. Last evaluated: 2026-02-03. Review status: criteria provided, single submitter. Criteria: Invitae Variant Classification Sherloc (09022015). Collection method: clinical testing. Allele origin: germline.

Blueprint Genetics
Classification: Likely benign. Last evaluated: 2024-11-26. Review status: criteria provided, single submitter. Criteria: ACMG Guidelines, 2015. Collection method: clinical testing. Allele origin: germline.

Mayo Clinic Laboratories, Mayo Clinic
Classification: Benign. Last evaluated: 2023-06-08. Review status: criteria provided, single submitter. Criteria: ACMG Guidelines, 2015. Collection method: clinical testing. Allele origin: germline. Observed: 9 variant alleles.
Comment: BS1, BS2, BP4_strong

Giacomini Lab, University of California, San Francisco
Classification: Likely benign for Renal carnitine transport defect. Last evaluated: 2022-10-03. Review status: criteria provided, single submitter. Criteria: ACMG Guidelines, 2015. Collection method: research, in vitro. Allele origin: germline, not applicable.

Genome-Nilou Lab
Classification: Benign for Renal carnitine transport defect. Last evaluated: 2021-07-15. Review status: criteria provided, single submitter. Criteria: ACMG Guidelines, 2015. Collection method: clinical testing. Allele origin: germline. Affected: no.

GeneDx
Classification: Benign. Last evaluated: 2020-08-19. Review status: criteria provided, single submitter. Criteria: GeneDx Variant Classification Process June 2021. Collection method: clinical testing. Allele origin: germline. Affected: yes.
Comment: This variant is associated with the following publications: (PMID: 24123366)

Women's Health and Genetics/Laboratory Corporation of America, LabCorp
Classification: Benign. Last evaluated: 2019-03-11. Review status: criteria provided, single submitter. Criteria: LabCorp Variant Classification Summary - May 2015. Collection method: clinical testing. Allele origin: germline.
Comment: Variant summary: SLC22A5 c.1249A>G (p.Met417Val) results in a conservative amino acid change located in the Major facilitator superfamily domain of the encoded protein sequence. Five of five in-silico tools predict a benign effect of the variant on protein function. The variant allele was found at a frequency of 0.0012 in 277134 control chromosomes, predominantly at a frequency of 0.012 within the African subpopulation in the gnomAD database, including 2 homozygotes. The observed variant frequency within African control individuals in the gnomAD database is approximately 3-folds higher than the estimated maximal expected allele frequency for a pathogenic variant in SLC22A5 causing Systemic Primary Carnitine Deficiency phenotype (0.0046), strongly suggesting that the variant is a benign polymorphism found primarily in populations of African origin. To our knowledge, no occurrence of c.1249A>G in individuals affected with Systemic Primary Carnitine Deficiency and no experimental evidence demonstrating its impact on protein function have been reported. Two ClinVar submissions from clinical diagnostic laboratories (evaluation after 2014) cites the variant once as likely benign and once as benign. Based on the evidence outlined above, the variant was classified as benign.

NM_003060.4(SLC22A5):c.1249A>G (p.Met417Val)

Gene: SLC22A5 (solute carrier family 22 member 5; plus strand). Cytogenetic location: 5q31.1.
Variant type: single nucleotide variant.
Coding change: c.1249A>G on transcript NM_003060.4 (MANE Select); coding-DNA position 1249, A replaced by G.
Protein change: p.Met417Val; replaces methionine 417 with valine.
Molecular consequence: missense variant.
Genome position (GRCh38, 1-based): chr5:132,390,886, A>G. VCF-style: chr5-132390886-A-G. GRCh37 (hg19) VCF-style: chr5-131726578-A-G.
Other names: p.Met417Val; c.1321A>G, p.Met441Val (NM_001308122.2); short protein forms M417V, M441V.
Identifiers: ClinVar variation 460395 (VCV000460395.48), dbSNP rs139775414, ClinGen allele CA3404104.
Genomic context (GRCh38, chr5:132,390,886, plus strand): 5'-TTGCCCCGGCGCTATTCCATGGCCACTGCCCTCTTCCTGGGTGGCAGTGTCCTTCTCTTC[A>G]TGCAGCTGGTACCCCCAGGTAGGGACCATGTGCATCTATGGTTTGGGGTCTTCACTGAGT-3'
Protein context (NP_003051.1, residues 407-427): LFLGGSVLLF[Met417Val]QLVPPDLYYL